The following is an entry in ClinVar:

NM_004465.2(FGF10):c.549_550del (p.Gly184fs)

Gene: FGF10 (fibroblast growth factor 10; minus strand). Cytogenetic location: 5p12.
Variant type: Deletion.
Coding change: c.549_550del on transcript NM_004465.2 (MANE Select); coding-DNA positions 549 to 550, 2 bases deleted (AG; older notation c.549_550delAG).
Protein change: p.Gly184fs; shifts the reading frame from glycine 184.
Molecular consequence: frameshift variant.
Genome position (GRCh38, 1-based): chr5:44,305,072-44,305,073, CT deleted on the plus strand (AG on the coding strand, the reverse complement: FGF10 is on the minus strand). VCF-style (leftmost placement, unchanged base first): chr5-44305071-CCT-C. GRCh37 (hg19) VCF-style: chr5-44305173-CCT-C.
Other names: short protein forms G184fs.
Identifiers: ClinVar variation 5002596 (VCV005002596.1).
Genomic context (GRCh38, chr5:44,305,071, plus strand): 5'-ATTGGAAGAAAGTGAGCAGAGGTGTTTTTCCTTCGTGTTTTCTGTCCTCTCCTTGGAGCT[CCT>C]TTTCCATTCAATGCCACATACATTTGCCTCCCATTATGCTGCCAGTTAAATGATGCATAG-3'

ClinVar aggregate classification (germline): Likely pathogenic (1 of 4 stars; one submission).

Conditions:
FGF10-related disorder. Also called: FGF10-related condition.

Submission:

PreventionGenetics, part of Exact Sciences
Classification: Likely pathogenic for FGF10-related condition. Last evaluated: 2024-12-10. Review status: criteria provided, single submitter. Criteria: ACMG Guidelines, 2015. Collection method: clinical testing. Allele origin: germline.
Comment: The FGF10 c.549_550delAG variant is predicted to result in a frameshift and premature protein termination (p.Gly184Serfs*49). To our knowledge, this variant has not been reported in the literature or in a large population database (gnomAD), indicating this variant is rare. Frameshift variants in FGF10 are expected to be pathogenic. This variant is interpreted as likely pathogenic.